The following is an entry in ClinVar:

ClinVar aggregate classification (germline): Likely pathogenic (1 of 4 stars; one submission).

Conditions:
Hereditary breast ovarian cancer syndrome. Also called: Hereditary breast and ovarian cancer syndrome (HBOC); Breast and ovarian cancer; Hereditary breast and/or ovarian cancer syndrome; BRCA1- and BRCA2-Associated Hereditary Breast and Ovarian Cancer; Hereditary breast and ovarian cancer syndrome; Hereditary breast and ovarian cancer. Identifiers: Orphanet 145, MedGen C0677776, MeSH D061325, MONDO:0003582. Disease mechanism: loss of function.

Submission:

Women's Health and Genetics/Laboratory Corporation of America, LabCorp
Classification: Likely pathogenic for Hereditary breast ovarian cancer syndrome. Last evaluated: 2021-04-05. Review status: criteria provided, single submitter. Criteria: LabCorp Variant Classification Summary - May 2015. Collection method: clinical testing. Allele origin: germline.
Comment: Variant summary: BRCA1 c.3761_3764delAGAA (p.Lys1254ThrfsX9) results in a premature termination codon, predicted to cause a truncation of the encoded protein or absence of the protein due to nonsense mediated decay, which are commonly known mechanisms for disease. Truncations downstream of this position have been classified as pathogenic by our laboratory. The variant was absent in 251272 control chromosomes. c.3761_3764delAGAA has been reported in the literature with a presumed nomenclature of 3879del4, in at-least one individual affected with Hereditary Breast and/or Ovarian Cancer Syndrome (example Goode_2002). These data do not allow any conclusion about variant significance. To our knowledge, no experimental evidence demonstrating an impact on protein function has been reported. No clinical diagnostic laboratories have submitted clinical-significance assessments for this variant to ClinVar after 2014. Based on the evidence outlined above, the variant was classified as likely pathogenic.

Literature cited by the submitters: PubMed 12036913.

NM_007294.4(BRCA1):c.3761_3764del (p.Lys1254fs)

Genes: BRCA1 (BRCA1 DNA repair associated; minus strand), LOC126862571 (BRD4-independent group 4 enhancer GRCh37_chr17:41243136-41244335; plus strand). Cytogenetic location: 17q21.31.
Variant type: Deletion.
Coding change: c.3761_3764del on transcript NM_007294.4 (MANE Select); coding-DNA positions 3761 to 3764, 4 bases deleted (AGAA; older notation c.3761_3764delAGAA).
Protein change: p.Lys1254fs; shifts the reading frame from lysine 1254.
Molecular consequence: frameshift variant. On other transcripts: intron variant (135).
Genome position (GRCh38, 1-based): chr17:43,091,767-43,091,770, TTCT deleted on the plus strand (AGAA on the coding strand, the reverse complement: BRCA1 is on the minus strand); deleting any 4 consecutive bases within chr17:43,091,767-43,091,771 gives the same sequence; the c. name uses the placement nearest the transcript's 3' end. VCF-style (leftmost placement, unchanged base first): chr17-43091766-GTTCT-G. GRCh37 (hg19) VCF-style: chr17-41243783-GTTCT-G.
Other names: c.3761_3764delAGAA (NM_007294.3); c.3548_3551del, p.Lys1183fs (NM_001407571.1, NM_001407853.1, NM_001407894.1 and 9 more transcripts); c.3761_3764del, p.Lys1254fs (NM_001407581.1, NM_001407582.1, NM_001407583.1 and 30 more transcripts); c.3758_3761del, p.Lys1253fs (NM_001407587.1, NM_001407590.1, NM_001407591.1 and 22 more transcripts); c.3752_3755del, p.Lys1251fs (NM_001407646.1, NM_001407647.1); c.3638_3641del, p.Lys1213fs (NM_001407648.1, NM_001407664.1, NM_001407665.1 and 19 more transcripts); c.3635_3638del, p.Lys1212fs (NM_001407649.1, NM_001407670.1, NM_001407671.1 and 11 more transcripts); c.3683_3686del, p.Lys1228fs (NM_001407653.1, NM_001407654.1, NM_001407655.1 and 4 more transcripts); and 42 more; short protein forms K1207fs, K1254fs, K1126fs, K1186fs, K1187fs, K1206fs, K1213fs, K1228fs.
Identifiers: ClinVar variation 1065153 (VCV001065153.2), dbSNP rs2053528623, ClinGen allele CA2260782258.